The following is an entry in ClinVar:

NM_000302.4(PLOD1):c.1163C>A (p.Thr388Asn)

Gene: PLOD1 (procollagen-lysine,2-oxoglutarate 5-dioxygenase 1; plus strand). Cytogenetic location: 1p36.22.
Variant type: single nucleotide variant.
Coding change: c.1163C>A on transcript NM_000302.4 (MANE Select); coding-DNA position 1163, C replaced by A.
Protein change: p.Thr388Asn; replaces threonine 388 with asparagine.
Molecular consequence: missense variant.
Genome position (GRCh38, 1-based): chr1:11,963,597, C>A. VCF-style: chr1-11963597-C-A. GRCh37 (hg19) VCF-style: chr1-12023654-C-A.
Other names: c.1304C>A, p.Thr435Asn (NM_001316320.2); short protein forms T388N, T435N.
Identifiers: ClinVar variation 4826524 (VCV004826524.1).

ClinVar aggregate classification (germline): Uncertain significance (1 of 4 stars; one submission).

Conditions:
Familial thoracic aortic aneurysm and aortic dissection (TAAD). Also called: Thoracic aortic aneurysms and dissections. Identifiers: Orphanet 91387, MedGen C4707243, MONDO:0019625.

Submission:

Ambry Genetics
Classification: Uncertain significance for Familial thoracic aortic aneurysm and aortic dissection. Last evaluated: 2026-03-01. Review status: criteria provided, single submitter. Criteria: Ambry Variant Classification Scheme 2023. Collection method: clinical testing. Allele origin: germline.
Comment: The p.T388N variant (also known as c.1163C>A), located in coding exon 11 of the PLOD1 gene, results from a C to A substitution at nucleotide position 1163. The threonine at codon 388 is replaced by asparagine, an amino acid with similar properties. This amino acid position is conserved. In addition, this alteration is predicted to be tolerated by in silico analysis. Based on the available evidence, the clinical significance of this variant remains unclear.